The following is an entry in ClinVar:

ClinVar aggregate classification (germline): Pathogenic/Likely pathogenic. Review status: criteria provided, multiple submitters, no conflicts (2 of 4 stars). 3 submissions from 3 submitters: Pathogenic (2); Likely pathogenic (1). Last evaluated 2024-04-04.

Conditions:
Autosomal recessive polycystic kidney disease (ARPKD). Also called: AR polycystic kidney disease. Identifiers: Orphanet 731, Orphanet 8378, MedGen C0085548, MeSH D017044, MONDO:0009889.
Polycystic kidney disease 4 (PKD4). Also called: POLYCYSTIC KIDNEY DISEASE 4 WITH OR WITHOUT POLYCYSTIC LIVER DISEASE; Autosomal Recessive Polycystic Kidney Disease – PKHD1; POLYCYSTIC KIDNEY AND HEPATIC DISEASE 1; POLYCYSTIC KIDNEY DISEASE, INFANTILE, TYPE I; PKD3. Identifiers: MedGen C4540575, MONDO:0033004, OMIM 263200.

Submissions (3):

Myriad Genetics, Inc.
Classification: Pathogenic for Polycystic kidney disease 4. Last evaluated: 2024-04-04. Review status: criteria provided, single submitter. Criteria: Myriad Autosomal Dominant, Autosomal Recessive and X-Linked Classification Criteria (2023). Collection method: clinical testing. Allele origin: unknown.
Comment: NM_138694.3(PKHD1):c.340C>T(Q114*) is expected to be pathogenic in the context of autosomal recessive polycystic kidney disease, PKHD1-related. This variant is predicted to lead to an abnormal or absent protein product due to the creation of a premature termination codon in PKHD1, a gene where loss-of-function variants are known to be pathogenic. Please note: this variant was assessed in the context of healthy population screening.

Labcorp Genetics (formerly Invitae), Labcorp
Classification: Pathogenic for Autosomal recessive polycystic kidney disease. Last evaluated: 2022-07-15. Review status: criteria provided, single submitter. Criteria: Invitae Variant Classification Sherloc (09022015). Collection method: clinical testing. Allele origin: germline.
Comment: For these reasons, this variant has been classified as Pathogenic. ClinVar contains an entry for this variant (Variation ID: 559912). This variant has not been reported in the literature in individuals affected with PKHD1-related conditions. This variant is not present in population databases (gnomAD no frequency). This sequence change creates a premature translational stop signal (p.Gln114*) in the PKHD1 gene. It is expected to result in an absent or disrupted protein product. Loss-of-function variants in PKHD1 are known to be pathogenic (PMID: 19940839).

Equipe Genetique des Anomalies du Developpement, Université de Bourgogne
Classification: Likely pathogenic for Polycystic kidney disease 4. Last evaluated: 2016-01-13. Review status: criteria provided, single submitter. Criteria: ACMG Guidelines, 2015. Collection method: clinical testing. Allele origin: unknown. Affected: yes. Study: Clinvar_gadteam_Clinical_exome_analysis_3.

Literature cited by the submitters: PubMed 19940839 (cited by Labcorp Genetics (formerly Invitae), Labcorp).

NM_138694.4(PKHD1):c.340C>T (p.Gln114Ter)

Gene: PKHD1 (PKHD1 ciliary IPT domain containing fibrocystin/polyductin; minus strand). Cytogenetic location: 6p12.2.
Variant type: single nucleotide variant.
Coding change: c.340C>T on transcript NM_138694.4 (MANE Select); coding-DNA position 340, C replaced by T.
Protein change: p.Gln114Ter; replaces glutamine 114 with a stop codon.
Molecular consequence: nonsense.
Genome position (GRCh38, 1-based): chr6:52,079,950, G>A on the plus strand (C>T on the coding strand, the complement: PKHD1 is on the minus strand). VCF-style: chr6-52079950-G-A. GRCh37 (hg19) VCF-style: chr6-51944748-G-A.
Other names: c.340C>T, p.Gln114Ter (NM_170724.3); short protein forms Q114*.
Identifiers: ClinVar variation 559912 (VCV000559912.7), dbSNP rs1554227215, ClinGen allele CA364439597.